The following is an entry in ClinVar:

NM_025137.4(SPG11):c.856_857dup (p.Asn286fs)

Gene: SPG11 (SPG11 vesicle trafficking associated, spatacsin; minus strand). Cytogenetic location: 15q21.1.
Variant type: Duplication.
Coding change: c.856_857dup on transcript NM_025137.4 (MANE Select); coding-DNA positions 856 to 857, 2 bases duplicated (AA; older notation c.856_857dupAA).
Protein change: p.Asn286fs; shifts the reading frame from asparagine 286.
Molecular consequence: frameshift variant.
Genome position (GRCh38, 1-based): chr15:44,657,107-44,657,108, TT duplicated on the plus strand (AA on the coding strand, the reverse complement: SPG11 is on the minus strand); duplicating any 2 consecutive bases within chr15:44,657,107-44,657,109 gives the same sequence; the c. name uses the placement nearest the transcript's 3' end. VCF-style (leftmost placement, unchanged base first): chr15-44657106-A-ATT. GRCh37 (hg19) VCF-style: chr15-44949304-A-ATT.
Other names: c.856_857dup, p.Asn286fs (NM_001160227.2, NM_001411132.1); short protein forms N286fs.
Identifiers: ClinVar variation 3577170 (VCV003577170.2).

ClinVar aggregate classification (germline): Likely pathogenic. Review status: criteria provided, multiple submitters, no conflicts (2 of 4 stars). 2 submissions from 2 submitters: Likely pathogenic (2). Last evaluated 2024-09-12.

Conditions:
Hereditary spastic paraplegia 11. Also called: SPASTIC PARAPLEGIA, AUTOSOMAL RECESSIVE, COMPLICATED, WITH THIN CORPUS CALLOSUM; SPASTIC PARAPLEGIA, AUTOSOMAL RECESSIVE, WITH MENTAL IMPAIRMENT AND THIN CORPUS CALLOSUM; Spastic Paraplegia 11; Nakamura Osame syndrome; Autosomal recessive hereditary spastic paraplegia, mental impairment, and thin corpus callosum; Spastic paraplegia, mental retardation and thin corpus callosum. Identifiers: Orphanet 2822, MedGen C1858479, MONDO:0011445, OMIM 604360.
Charcot-Marie-Tooth disease axonal type 2X. Also called: CHARCOT-MARIE-TOOTH DISEASE, AXONAL, AUTOSOMAL RECESSIVE, TYPE 2X; CHARCOT-MARIE-TOOTH NEUROPATHY, TYPE 2X. Identifiers: Orphanet 466775, MedGen C5569024, MONDO:0014726, OMIM 616668.
Amyotrophic lateral sclerosis type 5 (ALS5). Also called: AMYOTROPHIC LATERAL SCLEROSIS 5, JUVENILE. Identifiers: Orphanet 300605, MedGen C1865864, MONDO:0011196, OMIM 602099.

Submissions (2):

3billion
Classification: Likely pathogenic for Hereditary spastic paraplegia 11. Last evaluated: 2024-09-12. Review status: criteria provided, single submitter. Criteria: ACMG Guidelines, 2015. Collection method: clinical testing. Allele origin: germline. Affected: yes.
Comment: The variant is observed at an extremely low frequency in the gnomAD v4.0.0 dataset (total allele frequency: <0.001%). Predicted Consequence/Location: Frameshift: predicted to result in a loss or disruption of normal protein function through nonsense-mediated decay (NMD) or protein truncation. Multiple pathogenic variants are reported downstream of the variant. Therefore, this variant is classified as Likely pathogenic according to the recommendation of ACMG/AMP guideline.

Fulgent Genetics
Classification: Likely pathogenic for Amyotrophic lateral sclerosis type 5; Hereditary spastic paraplegia 11; Charcot-Marie-Tooth disease axonal type 2X. Last evaluated: 2024-03-26. Review status: criteria provided, single submitter. Criteria: ACMG Guidelines, 2015. Collection method: clinical testing. Allele origin: germline.